The following is an entry in ClinVar:

NM_000059.4(BRCA2):c.10145_10146del (p.Leu3382fs)

Gene: BRCA2 (BRCA2 DNA repair associated; plus strand). Cytogenetic location: 13q13.1.
Variant type: Deletion.
Coding change: c.10145_10146del on transcript NM_000059.4 (MANE Select); coding-DNA positions 10145 to 10146, 2 bases deleted (TG; older notation c.10145_10146delTG).
Protein change: p.Leu3382fs; shifts the reading frame from leucine 3382.
Molecular consequence: frameshift variant.
Genome position (GRCh38, 1-based): chr13:32,398,658-32,398,659, TG deleted. VCF-style (leftmost placement, unchanged base first): chr13-32398657-CTG-C. GRCh37 (hg19) VCF-style: chr13-32972794-CTG-C.
Other names: c.10145_10146delTG (NM_000059.3); short protein forms L3382fs.
Identifiers: ClinVar variation 1095582 (VCV001095582.10), dbSNP rs2137667100, ClinGen allele CA2499222401.

ClinVar aggregate classification (germline): Conflicting classifications of pathogenicity. Review status: criteria provided, conflicting classifications (1 of 4 stars). 2 submissions from 2 submitters: Uncertain significance (1); Likely benign (1). Last evaluated 2023-10-09.

Conditions:
Hereditary cancer-predisposing syndrome. Also called: Hereditary Cancer Syndrome; Neoplastic Syndromes, Hereditary; Hereditary neoplastic syndrome; Tumor predisposition. Identifiers: Orphanet 140162, MedGen C0027672, MeSH D009386, MONDO:0015356.
Hereditary breast ovarian cancer syndrome. Also called: Hereditary breast and ovarian cancer; Hereditary breast and ovarian cancer syndrome; BRCA1- and BRCA2-Associated Hereditary Breast and Ovarian Cancer; Hereditary breast and/or ovarian cancer syndrome; Hereditary breast and ovarian cancer syndrome (HBOC); Breast and ovarian cancer. Identifiers: Orphanet 145, MedGen C0677776, MeSH D061325, MONDO:0003582. Disease mechanism: loss of function.

Submissions (2):

Ambry Genetics
Classification: Uncertain significance for Hereditary cancer-predisposing syndrome. Last evaluated: 2023-10-09. Review status: criteria provided, single submitter. Criteria: Ambry Variant Classification Scheme 2023. Collection method: clinical testing. Allele origin: germline.
Comment: The c.10145_10146delTG variant, located in coding exon 26 of the BRCA2 gene, results from a deletion of two nucleotides at nucleotide positions 10145 to 10146, causing a translational frameshift with a predicted alternate stop codon (p.L3382Qfs*23). This alteration occurs at the 3' terminus of the BRCA2 gene, is not expected to trigger nonsense-mediated mRNA decay, and only impacts the last 37 amino acids (~1.1%) of the protein. The exact functional effect of this alteration is unknown. Since supporting evidence is limited at this time, the clinical significance of this alteration remains unclear.

Labcorp Genetics (formerly Invitae), Labcorp
Classification: Likely benign for Hereditary breast ovarian cancer syndrome. Last evaluated: 2020-10-08. Review status: criteria provided, single submitter. Criteria: Invitae Variant Classification Sherloc (09022015). Collection method: clinical testing. Allele origin: germline.